The following is an entry in ClinVar:

ClinVar aggregate classification (germline): Likely pathogenic. Review status: criteria provided, multiple submitters, no conflicts (2 of 4 stars). 3 submissions from 3 submitters: Likely pathogenic (3). Last evaluated 2023-08-22.

Conditions:
Hereditary cancer-predisposing syndrome. Also called: Tumor predisposition; Hereditary neoplastic syndrome; Neoplastic Syndromes, Hereditary; Hereditary Cancer Syndrome. Identifiers: Orphanet 140162, MedGen C0027672, MeSH D009386, MONDO:0015356.
Familial cancer of breast. Also called: Hereditary breast cancer; BREAST CANCER, FAMILIAL; hereditary breast carcinoma. Identifiers: Orphanet 227535, MedGen C0346153, MONDO:0016419, OMIM 114480. Disease mechanism: loss of function.

Submissions (3):

Ambry Genetics
Classification: Likely pathogenic for Hereditary cancer-predisposing syndrome. Last evaluated: 2023-08-22. Review status: criteria provided, single submitter. Criteria: Ambry Variant Classification Scheme 2023. Collection method: clinical testing. Allele origin: germline.
Comment: The c.1543-11_1543-2del10 intronic variant, located in intron 13 of the CHEK2 gene, results from a deletion of 10 nucleotides within intron 13 of the CHEK2 gene. In silico splice site analysis predicts that this alteration will weaken the native splice acceptor site and may result in the creation or strengthening of a novel splice acceptor site; however direct evidence is insufficient (Ambry internal data). The canonical acceptor site is well conserved in available vertebrate species. This alteration occurs in the 3' terminus of the CHEK2 gene, and is not expected to trigger nonsense-mediated mRNA decay. The exact functional effect of the predicted aberrant splicing is unknown; however, the impacted region is critical for protein function and a significant portion of the protein is expected to be affected (Ambry internal data). The alteration is predicted to disrupt the nuclear localization signal of the protein (Zannini L et al. J Biol Chem. 2003 Oct 24;278(43):42346-51). This variant is considered to be rare based on population cohorts in the Genome Aggregation Database (gnomAD). Based on the majority of available evidence to date, this variant is likely to be pathogenic.

Institute for Clinical Genetics, University Hospital TU Dresden, University Hospital TU Dresden
Classification: Likely pathogenic. Last evaluated: 2021-11-22. Review status: criteria provided, single submitter. Criteria: ACMG Guidelines, 2015. Collection method: clinical testing. Allele origin: germline.
Comment: PP5, PM2_SUP, PVS1_STR

Institute of Human Genetics, University of Leipzig Medical Center
Classification: Likely pathogenic for Familial cancer of breast. Last evaluated: 2021-09-22. Review status: criteria provided, single submitter. Criteria: ACMG Guidelines, 2015. Collection method: clinical testing. Allele origin: unknown. Affected: yes.

NM_007194.4(CHEK2):c.1543-11_1543-2del

Gene: CHEK2 (checkpoint kinase 2; minus strand). Cytogenetic location: 22q12.1.
Variant type: Deletion.
Coding change: c.1543-11_1543-2del on transcript NM_007194.4 (MANE Select); 11 bases into the intron before coding-DNA position 1543 through the canonical splice acceptor site of the intron before coding-DNA position 1543, 10 bases deleted (TTTATTTTCA; older notation c.1543-11_1543-2delTTTATTTTCA).
Molecular consequence: splice acceptor variant.
Genome position (GRCh38, 1-based): chr22:28,687,988-28,687,997, TGAAAATAAA deleted on the plus strand (TTTATTTTCA on the coding strand, the reverse complement: CHEK2 is on the minus strand). VCF-style (leftmost placement, unchanged base first): chr22-28687987-CTGAAAATAAA-C. GRCh37 (hg19) VCF-style: chr22-29083975-CTGAAAATAAA-C.
Other names: c.1543-11_1543-2del10 (NM_007194.3); c.880-11_880-2del (NM_001437942.1, NM_001257387.3); c.1342-11_1342-2del (NM_001349956.3); c.1456-11_1456-2del (NM_145862.3); c.1549-11_1549-2del (NM_001438295.1); c.1636-11_1636-2del (NM_001438293.1); c.1585-11_1585-2del (NM_001438294.1); c.1672-11_1672-2del (NM_001005735.3).
Identifiers: ClinVar variation 1299328 (VCV001299328.6), dbSNP rs2145739661, ClinGen allele CA2499226043.